The following is an entry in ClinVar:

ClinVar aggregate classification (germline): Uncertain significance (1 of 4 stars; one submission).

Conditions:
Hereditary cancer-predisposing syndrome. Also called: Neoplastic Syndromes, Hereditary; Tumor predisposition; Hereditary Cancer Syndrome; Hereditary neoplastic syndrome. Identifiers: Orphanet 140162, MedGen C0027672, MeSH D009386, MONDO:0015356.

gnomAD v4.1: 2 of 1,608,734 alleles (0.00012%); highest among the groups gnomAD compares: South Asian, 0.0022%; no homozygotes.

Submission:

Ambry Genetics
Classification: Uncertain significance for Hereditary cancer-predisposing syndrome. Last evaluated: 2025-10-27. Review status: criteria provided, single submitter. Criteria: Ambry Variant Classification Scheme 2023. Collection method: clinical testing. Allele origin: germline.
Comment: The p.C2332R variant (also known as c.6994T>C), located in coding exon 12 of the BRCA2 gene, results from a T to C substitution at nucleotide position 6994. The cysteine at codon 2332 is replaced by arginine, an amino acid with highly dissimilar properties. This amino acid position is highly conserved in available vertebrate species. In addition, the in silico prediction for this alteration is inconclusive. Based on the available evidence, the clinical significance of this variant remains unclear.

NM_000059.4(BRCA2):c.6994T>C (p.Cys2332Arg)

Gene: BRCA2 (BRCA2 DNA repair associated; plus strand). Cytogenetic location: 13q13.1.
Variant type: single nucleotide variant.
Coding change: c.6994T>C on transcript NM_000059.4 (MANE Select); coding-DNA position 6994, T replaced by C.
Protein change: p.Cys2332Arg; replaces cysteine 2332 with arginine.
Molecular consequence: missense variant. On other transcripts: non-coding transcript variant (1).
Genome position (GRCh38, 1-based): chr13:32,346,883, T>C. VCF-style: chr13-32346883-T-C. GRCh37 (hg19) VCF-style: chr13-32921020-T-C.
Other names: c.6898T>C, p.Cys2300Arg (NM_001406719.1); c.6994T>C, p.Cys2332Arg (NM_001406720.1, NM_001432077.1); c.2062T>C, p.Cys688Arg (NM_001406721.1); c.577T>C, p.Cys193Arg (NM_001406722.1); short protein forms C193R, C2332R, C688R, C2300R.
Identifiers: ClinVar variation 4626089 (VCV004626089.1).